The following is an entry in ClinVar:

ClinVar aggregate classification (germline): Uncertain significance. Review status: criteria provided, multiple submitters, no conflicts (2 of 4 stars). 2 submissions from 2 submitters: Uncertain significance (2). Last evaluated 2025-08-20.

Conditions:
Hereditary cancer-predisposing syndrome. Also called: Hereditary neoplastic syndrome; Neoplastic Syndromes, Hereditary; Tumor predisposition; Hereditary Cancer Syndrome. Identifiers: Orphanet 140162, MedGen C0027672, MeSH D009386, MONDO:0015356.
Neuroblastoma, susceptibility to, 3. Also called: ALK-Related Neuroblastic Tumor Susceptibility. Identifiers: Orphanet 635, MedGen C2751681, MONDO:0013083, OMIM 613014.

Allele frequency attached by ClinVar (database versions not stated): gnomAD exomes 0.00001.
gnomAD v4.1: 9 of 1,614,164 alleles (0.00056%); highest among the groups gnomAD compares: Non-Finnish European, 0.00076%; no homozygotes.

Submissions (2):

Ambry Genetics
Classification: Uncertain significance for Hereditary cancer-predisposing syndrome. Last evaluated: 2025-08-20. Review status: criteria provided, single submitter. Criteria: Ambry Variant Classification Scheme 2023. Collection method: clinical testing. Allele origin: germline.
Comment: The p.R360K variant (also known as c.1079G>A), located in coding exon 4 of the ALK gene, results from a G to A substitution at nucleotide position 1079. The arginine at codon 360 is replaced by lysine, an amino acid with highly similar properties. This amino acid position is conserved. In addition, this alteration is predicted to be tolerated by in silico analysis. Since supporting evidence is limited at this time, the clinical significance of this alteration remains unclear.

Labcorp Genetics (formerly Invitae), Labcorp
Classification: Uncertain significance for Neuroblastoma, susceptibility to, 3. Last evaluated: 2024-10-24. Review status: criteria provided, single submitter. Criteria: Invitae Variant Classification Sherloc (09022015). Collection method: clinical testing. Allele origin: germline.
Comment: This sequence change replaces arginine, which is basic and polar, with lysine, which is basic and polar, at codon 360 of the ALK protein (p.Arg360Lys). This variant is not present in population databases (gnomAD no frequency). This variant has not been reported in the literature in individuals affected with ALK-related conditions. ClinVar contains an entry for this variant (Variation ID: 1008443). An algorithm developed to predict the effect of missense changes on protein structure and function outputs the following: PolyPhen-2: "Benign". The lysine amino acid residue is found in multiple mammalian species, which suggests that this missense change does not adversely affect protein function. In summary, the available evidence is currently insufficient to determine the role of this variant in disease. Therefore, it has been classified as a Variant of Uncertain Significance.

NM_004304.5(ALK):c.1079G>A (p.Arg360Lys)

Gene: ALK (ALK receptor tyrosine kinase; minus strand). Cytogenetic location: 2p23.2.
Variant type: single nucleotide variant.
Coding change: c.1079G>A on transcript NM_004304.5 (MANE Select); coding-DNA position 1079, G replaced by A.
Protein change: p.Arg360Lys; replaces arginine 360 with lysine.
Molecular consequence: missense variant.
Genome position (GRCh38, 1-based): chr2:29,531,990, C>T on the plus strand (G>A on the coding strand, the complement: ALK is on the minus strand). VCF-style: chr2-29531990-C-T. GRCh37 (hg19) VCF-style: chr2-29754856-C-T.
Other names: c.1079G>A (NM_004304.4); short protein forms R360K.
Identifiers: ClinVar variation 1008443 (VCV001008443.11), dbSNP rs1673132479, ClinGen allele CA346587321.